The following is an entry in ClinVar:

NM_001371986.1(UNC80):c.5243C>G (p.Pro1748Arg)

Genes: UNC80 (unc-80 subunit of NALCN channel complex; plus strand), LOC126806490 (P300/CBP strongly-dependent group 1 enhancer GRCh37_chr2:210782411-210783610; plus strand). Cytogenetic location: 2q34.
Variant type: single nucleotide variant.
Coding change: c.5243C>G on transcript NM_001371986.1 (MANE Select); coding-DNA position 5243, C replaced by G.
Protein change: p.Pro1748Arg; replaces proline 1748 with arginine.
Molecular consequence: missense variant.
Genome position (GRCh38, 1-based): chr2:209,918,563, C>G. VCF-style: chr2-209918563-C-G. GRCh37 (hg19) VCF-style: chr2-210783287-C-G.
Other names: c.5045C>G, p.Pro1682Arg (NM_032504.2); c.5030C>G, p.Pro1677Arg (NM_182587.4); short protein forms P1677R, P1682R, P1748R.
Identifiers: ClinVar variation 1414036 (VCV001414036.6), dbSNP rs2124949027, ClinGen allele CA350759982.

ClinVar aggregate classification (germline): Uncertain significance (1 of 4 stars; one submission).

Submission:

Labcorp Genetics (formerly Invitae), Labcorp
Classification: Uncertain significance. Last evaluated: 2023-07-21. Review status: criteria provided, single submitter. Criteria: Invitae Variant Classification Sherloc (09022015). Collection method: clinical testing. Allele origin: germline.
Comment: This sequence change replaces proline, which is neutral and non-polar, with arginine, which is basic and polar, at codon 1682 of the UNC80 protein (p.Pro1682Arg). This variant is not present in population databases (gnomAD no frequency). This variant has not been reported in the literature in individuals affected with UNC80-related conditions. ClinVar contains an entry for this variant (Variation ID: 1414036). Advanced modeling of protein sequence and biophysical properties (such as structural, functional, and spatial information, amino acid conservation, physicochemical variation, residue mobility, and thermodynamic stability) performed at Invitae indicates that this missense variant is not expected to disrupt UNC80 protein function. In summary, the available evidence is currently insufficient to determine the role of this variant in disease. Therefore, it has been classified as a Variant of Uncertain Significance.